The following is an entry in ClinVar:

NM_019109.5(ALG1):c.115del (p.Val39fs)

Genes: ALG1 (ALG1 chitobiosyldiphosphodolichol beta-mannosyltransferase; plus strand), LOC130058384 (ATAC-STARR-seq lymphoblastoid active region 10349; plus strand). Cytogenetic location: 16p13.3.
Variant type: Deletion.
Coding change: c.115del on transcript NM_019109.5 (MANE Select); coding-DNA position 115, one base deleted (G; older notation c.115delG).
Protein change: p.Val39fs; shifts the reading frame from valine 39.
Molecular consequence: frameshift variant.
Genome position (GRCh38, 1-based): chr16:5,071,964, G deleted; the last of 2 consecutive G bases (chr16:5,071,963-5,071,964); deleting either gives the same sequence. VCF-style (leftmost placement, unchanged base first): chr16-5071962-TG-T. GRCh37 (hg19) VCF-style: chr16-5121963-TG-T.
Other names: c.115delG (NM_019109.4); short protein forms V39fs.
Identifiers: ClinVar variation 281338 (VCV000281338.16), dbSNP rs886042130, ClinGen allele CA10603847.

ClinVar aggregate classification (germline): Conflicting classifications of pathogenicity. Review status: criteria provided, conflicting classifications (1 of 4 stars). 7 submissions from 7 submitters: Pathogenic (2); Likely pathogenic (4); Uncertain significance (1). Last evaluated 2026-03-18.

Conditions:
ALG1-related disorder. Also called: ALG1-related condition.
ALG1-congenital disorder of glycosylation. Also called: ALG1-CDG; CONGENITAL DISORDER OF GLYCOSYLATION, TYPE Ik; CDG Ik. Identifiers: Orphanet 79327, MedGen C2931005, MONDO:0012052, OMIM 608540.
Inborn genetic diseases. Identifiers: MedGen C0950123, MeSH D030342.

Submissions (7):

GeneDx
Classification: Likely pathogenic. Last evaluated: 2026-03-18. Review status: criteria provided, single submitter. Criteria: GeneDx Variant Classification Process June 2021. Collection method: clinical testing. Allele origin: germline.
Comment: Frameshift variant predicted to result in protein truncation or nonsense mediated decay in a gene for which loss of function is a known mechanism of disease; Not observed at significant frequency in large population cohorts (gnomAD); Has not been previously published as pathogenic or benign to our knowledge; This variant is associated with the following publications: (PMID: 20679665, 23806237, 25954003, 28490743, 27618451)

Labcorp Genetics (formerly Invitae), Labcorp
Classification: Pathogenic for ALG1-congenital disorder of glycosylation. Last evaluated: 2025-10-02. Review status: criteria provided, single submitter. Criteria: Invitae Variant Classification Sherloc (09022015). Collection method: clinical testing. Allele origin: germline.
Comment: This sequence change creates a premature translational stop signal (p.Val39Cysfs*25) in the ALG1 gene. It is expected to result in an absent or disrupted protein product. Loss-of-function variants in ALG1 are known to be pathogenic (PMID: 20679665, 23806237). This variant is not present in population databases (gnomAD no frequency). This variant has not been reported in the literature in individuals affected with ALG1-related conditions. ClinVar contains an entry for this variant (Variation ID: 281338). For these reasons, this variant has been classified as Pathogenic.

Fulgent Genetics
Classification: Likely pathogenic for ALG1-congenital disorder of glycosylation. Last evaluated: 2024-03-18. Review status: criteria provided, single submitter. Criteria: ACMG Guidelines, 2015. Collection method: clinical testing. Allele origin: germline.

PreventionGenetics, part of Exact Sciences
Classification: Uncertain significance for ALG1-related condition. Last evaluated: 2023-03-14. Review status: criteria provided, single submitter. Criteria: ACMG Guidelines, 2015. Collection method: clinical testing. Allele origin: germline.
Comment: The ALG1 c.115delG variant is predicted to result in a frameshift and premature protein termination (p.Val39Cysfs*25). To our knowledge, this variant has not been reported in the literature or in a large population database, indicating this variant is rare. This variant occurs in the 5' end of the gene in the 1st exon and therefore may escape non-sense mediated decay or lead to re-initiation of translation. However one upstream pathogenic protein chain terminating variant was observed (p.Cys5* in Ng et al. 2016. PubMed ID: 26931382). Although we suspect that this variant may be pathogenic, at this time, the clinical significance of this variant is uncertain due to the absence of conclusive functional and genetic evidence.

Women's Health and Genetics/Laboratory Corporation of America, LabCorp
Classification: Likely pathogenic for ALG1-congenital disorder of glycosylation. Last evaluated: 2023-03-09. Review status: criteria provided, single submitter. Criteria: LabCorp Variant Classification Summary - May 2015. Collection method: clinical testing. Allele origin: germline.
Comment: Variant summary: ALG1 c.115delG (p.Val39CysfsX25) results in a premature termination codon located in exon 1, and is predicted to cause a truncation of the encoded protein or absence of the protein due to nonsense mediated decay, which are commonly known mechanisms for disease. Truncations upstream- and downstream of this position are reported in affected individuals (HGMD, ClinVar). The variant was absent in 198380 control chromosomes (gnomAD). To our knowledge, no occurrence of c.115delG in individuals affected with Congenital Disorder of Glycosylation Type 1K and no experimental evidence demonstrating its impact on protein function have been reported. Three submitters have provided clinical-significance assessments for this variant to ClinVar after 2014 without evidence for independent evaluation, and classified the variant as pathogenic/likely pathogenic. Based on the evidence outlined above, the variant was classified as likely pathogenic.

Ambry Genetics
Classification: Likely pathogenic for Inborn genetic diseases. Last evaluated: 2022-08-10. Review status: criteria provided, single submitter. Criteria: Ambry Variant Classification Scheme 2023. Collection method: clinical testing. Allele origin: germline.
Comment: The c.115delG (p.V39Cfs*25) alteration, located in exon 1 (coding exon 1) of the ALG1 gene, consists of a deletion of one nucleotide at position 115, causing a translational frameshift with a predicted alternate stop codon after 25 amino acids. The predicted stop codon occurs in the 5' end of the ALG1 gene. Premature termination codons in the 5&rsquo; end of a gene have been reported to escape nonsense-mediated mRNA decay and/or lead to re-initiation (Rivas, 2015; Lindeboom, 2016; Rhee, 2017). Direct evidence for this alteration is unavailable; however, premature termination codons are typically deleterious in nature. This variant was not reported in population-based cohorts in the Genome Aggregation Database (gnomAD). Based on the available evidence, this alteration is classified as likely pathogenic.

Eurofins Ntd Llc (ga)
Classification: Pathogenic. Last evaluated: 2016-02-26. Review status: criteria provided, single submitter. Criteria: EGL Classification Definitions 2015. Collection method: clinical testing. Allele origin: germline. Observed: 2 variant alleles, 2 heterozygotes.

Literature cited by the submitters: PubMed 20679665 (cited by Labcorp Genetics (formerly Invitae), Labcorp); PubMed 23806237 (cited by Labcorp Genetics (formerly Invitae), Labcorp); PubMed 25954003 (cited by Ambry Genetics); PubMed 27618451 (cited by Ambry Genetics); PubMed 28490743 (cited by Ambry Genetics).